The following is an entry in ClinVar:

NM_000440.3(PDE6A):c.1966G>T (p.Glu656Ter)

Gene: PDE6A (phosphodiesterase 6A; minus strand). Cytogenetic location: 5q32.
Variant type: single nucleotide variant.
Coding change: c.1966G>T on transcript NM_000440.3 (MANE Select); coding-DNA position 1966, G replaced by T.
Protein change: p.Glu656Ter; replaces glutamic acid 656 with a stop codon.
Molecular consequence: nonsense.
Genome position (GRCh38, 1-based): chr5:149,884,540, C>A on the plus strand (G>T on the coding strand, the complement: PDE6A is on the minus strand). VCF-style: chr5-149884540-C-A. GRCh37 (hg19) VCF-style: chr5-149264103-C-A.
Other names: short protein forms E656*.
Identifiers: ClinVar variation 846489 (VCV000846489.10), dbSNP rs199871385, ClinGen allele CA3504450.

ClinVar aggregate classification (germline): Pathogenic. Review status: criteria provided, multiple submitters, no conflicts (2 of 4 stars). 2 submissions from 2 submitters: Pathogenic (2). Last evaluated 2025-06-27.

Conditions:
PDE6A-related disorder. Also called: PDE6A-related condition.

Allele frequency attached by ClinVar (database versions not stated): ExAC 0.00002.
gnomAD v4.1: 18 of 1,613,724 alleles (0.0011%); highest among the groups gnomAD compares: Non-Finnish European, 0.0014%; no homozygotes.

Submissions (2):

Labcorp Genetics (formerly Invitae), Labcorp
Classification: Pathogenic. Last evaluated: 2025-06-27. Review status: criteria provided, single submitter. Criteria: Invitae Variant Classification Sherloc (09022015). Collection method: clinical testing. Allele origin: germline.
Comment: This sequence change creates a premature translational stop signal (p.Glu656*) in the PDE6A gene. It is expected to result in an absent or disrupted protein product. Loss-of-function variants in PDE6A are known to be pathogenic (PMID: 7493036, 22128245, 23847139). This variant is present in population databases (rs199871385, gnomAD 0.002%). This premature translational stop signal has been observed in individual(s) with Leber congenital amaurosis (PMID: 28714225). ClinVar contains an entry for this variant (Variation ID: 846489). For these reasons, this variant has been classified as Pathogenic.

Blueprint Genetics
Classification: Pathogenic for PDE6A-related disorders. Last evaluated: 2024-04-29. Review status: criteria provided, single submitter. Criteria: ACMG Guidelines, 2015. Collection method: clinical testing. Allele origin: germline. Affected: yes. Observed: 5 variant alleles.

Literature cited by the submitters: PubMed 7493036 (cited by Labcorp Genetics (formerly Invitae), Labcorp); PubMed 22128245 (cited by Labcorp Genetics (formerly Invitae), Labcorp); PubMed 23847139 (cited by Labcorp Genetics (formerly Invitae), Labcorp); PubMed 28714225 (cited by Labcorp Genetics (formerly Invitae), Labcorp).